The following is an entry in ClinVar:

NM_000155.3(GALT):c.-841_-837dupTTTTT

Gene: GALT (galactose-1-phosphate uridylyltransferase; plus strand). Cytogenetic location: 9p13.3.
Variant type: Duplication.
Coding change: c.-841_-837dupTTTTT on transcript NM_000155.3; 841 bases upstream of the start codon through 837 bases upstream of the start codon, 5 bases duplicated (TTTTT).
Genome position (GRCh38, 1-based): chr9:34,645,864-34,645,868, TTTTT duplicated; duplicating any 5 consecutive bases within chr9:34,645,849-34,645,868 gives the same sequence; the c. name uses the placement nearest the transcript's 3' end. VCF-style (leftmost placement, unchanged base first): chr9-34645848-A-ATTTTT. GRCh37 (hg19) VCF-style: chr9-34645845-A-ATTTTT.
Identifiers: ClinVar variation 1331422 (VCV001331422.3), dbSNP rs549043849, ClinGen allele CA192666517.

ClinVar aggregate classification (germline): Benign (1 of 4 stars; one submission).

Submission:

Women's Health and Genetics/Laboratory Corporation of America, LabCorp
Classification: Benign. Last evaluated: 2021-12-16. Review status: criteria provided, single submitter. Criteria: LabCorp Variant Classification Summary - May 2015. Collection method: clinical testing. Allele origin: germline.
Comment: Variant summary: GALT c.-841_-837dupTTTTT is located in the untranscribed region upstream of the GALT gene region. The variant allele was found at a frequency of 0.16 in 124188 control chromosomes in the gnomAD v3.1.2 database, including 1810 homozygotes. The observed variant frequency is approximately 55-fold of the estimated maximal expected allele frequency for a pathogenic variant in GALT causing Galactosemia phenotype (0.0029), strongly suggesting that the variant is benign. No clinical diagnostic laboratories have submitted clinical-significance assessments for this variant to ClinVar after 2014. Based on the evidence outlined above, the variant was classified as benign.